The following is an entry in ClinVar:

ClinVar aggregate classification (germline): Uncertain significance (1 of 4 stars; one submission).

Conditions:
Familial acute necrotizing encephalopathy (IIAE3). Also called: ENCEPHALOPATHY, ACUTE, INFECTION-INDUCED, SUSCEPTIBILITY TO, 3; Susceptibility to Acute Necrotizing Encephalopathy 1. Identifiers: Orphanet 88619, MedGen C2675556, MONDO:0011953, OMIM 608033.

Submission:

Labcorp Genetics (formerly Invitae), Labcorp
Classification: Uncertain significance for Familial acute necrotizing encephalopathy. Last evaluated: 2024-10-29. Review status: criteria provided, single submitter. Criteria: Invitae Variant Classification Sherloc (09022015). Collection method: clinical testing. Allele origin: germline.
Comment: This sequence change replaces aspartic acid, which is acidic and polar, with alanine, which is neutral and non-polar, at codon 3012 of the RANBP2 protein (p.Asp3012Ala). This variant is not present in population databases (gnomAD no frequency). This variant has not been reported in the literature in individuals affected with RANBP2-related conditions. ClinVar contains an entry for this variant (Variation ID: 574946). An algorithm developed to predict the effect of missense changes on protein structure and function (PolyPhen-2) suggests that this variant is likely to be disruptive. In summary, the available evidence is currently insufficient to determine the role of this variant in disease. Therefore, it has been classified as a Variant of Uncertain Significance.

NM_006267.5(RANBP2):c.9035A>C (p.Asp3012Ala)

Gene: RANBP2 (RAN binding protein 2; plus strand). Cytogenetic location: 2q13.
Variant type: single nucleotide variant.
Coding change: c.9035A>C on transcript NM_006267.5 (MANE Select); coding-DNA position 9035, A replaced by C.
Protein change: p.Asp3012Ala; replaces aspartic acid 3012 with alanine.
Molecular consequence: missense variant.
Genome position (GRCh38, 1-based): chr2:108,782,528, A>C. VCF-style: chr2-108782528-A-C. GRCh37 (hg19) VCF-style: chr2-109398984-A-C.
Other names: short protein forms D3012A.
Identifiers: ClinVar variation 574946 (VCV000574946.9), dbSNP rs1558942739, ClinGen allele CA348085030.